The following is an entry in ClinVar:

NM_001042492.3(NF1):c.1759A>G (p.Ser587Gly)

Gene: NF1 (neurofibromin 1; plus strand). Cytogenetic location: 17q11.2.
Variant type: single nucleotide variant.
Coding change: c.1759A>G on transcript NM_001042492.3 (MANE Select); coding-DNA position 1759, A replaced by G.
Protein change: p.Ser587Gly; replaces serine 587 with glycine.
Molecular consequence: missense variant.
Genome position (GRCh38, 1-based): chr17:31,223,481, A>G. VCF-style: chr17-31223481-A-G. GRCh37 (hg19) VCF-style: chr17-29550499-A-G.
Other names: c.1759A>G, p.Ser587Gly (NM_000267.4); short protein forms S587G.
Identifiers: ClinVar variation 856418 (VCV000856418.9), dbSNP rs1597708695, ClinGen allele CA399004168.

ClinVar aggregate classification (germline): Uncertain significance. Review status: criteria provided, multiple submitters, no conflicts (2 of 4 stars). 2 submissions from 2 submitters: Uncertain significance (2). Last evaluated 2025-12-22.

Conditions:
Hereditary cancer-predisposing syndrome. Also called: Hereditary neoplastic syndrome; Tumor predisposition; Neoplastic Syndromes, Hereditary; Hereditary Cancer Syndrome. Identifiers: Orphanet 140162, MedGen C0027672, MeSH D009386, MONDO:0015356.
Cardiovascular phenotype. Identifiers: MedGen CN230736.
Neurofibromatosis, type 1 (NF1). Also called: Neurofibromatosis, type I; VON RECKLINGHAUSEN DISEASE; Peripheral type neurofibromatosis; NEUROFIBROMATOSIS, TYPE I, SOMATIC. Identifiers: Orphanet 636, MedGen C0027831, MONDO:0018975, OMIM 162200. Disease mechanism: loss of function.

Allele frequency attached by ClinVar (database versions not stated): gnomAD exomes below 0.00001.
gnomAD v4.1: 1 of 1,613,082 alleles (0.000062%); highest among the groups gnomAD compares: Non-Finnish European, 0.000085%; no homozygotes.

Submissions (2):

Labcorp Genetics (formerly Invitae), Labcorp
Classification: Uncertain significance for Neurofibromatosis, type 1. Last evaluated: 2025-12-22. Review status: criteria provided, single submitter. Criteria: Invitae Variant Classification Sherloc (09022015). Collection method: clinical testing. Allele origin: germline.
Comment: This sequence change replaces serine, which is neutral and polar, with glycine, which is neutral and non-polar, at codon 587 of the NF1 protein (p.Ser587Gly). This variant is not present in population databases (gnomAD no frequency). This variant has not been reported in the literature in individuals affected with NF1-related conditions. ClinVar contains an entry for this variant (Variation ID: 856418). Invitae Evidence Modeling of protein sequence and biophysical properties (such as structural, functional, and spatial information, amino acid conservation, physicochemical variation, residue mobility, and thermodynamic stability) indicates that this missense variant is not expected to disrupt NF1 protein function with a negative predictive value of 95%. In summary, the available evidence is currently insufficient to determine the role of this variant in disease. Therefore, it has been classified as a Variant of Uncertain Significance.

Ambry Genetics
Classification: Uncertain significance for Cardiovascular phenotype; Hereditary cancer-predisposing syndrome. Last evaluated: 2021-02-26. Review status: criteria provided, single submitter. Criteria: Ambry Variant Classification Scheme 2023. Collection method: clinical testing. Allele origin: germline.
Comment: The p.S587G variant (also known as c.1759A>G), located in coding exon 16 of the NF1 gene, results from an A to G substitution at nucleotide position 1759. The serine at codon 587 is replaced by glycine, an amino acid with similar properties. This amino acid position is well conserved in available vertebrate species. In addition, this alteration is predicted to be tolerated by in silico analysis. Since supporting evidence is limited at this time, the clinical significance of this alteration remains unclear.